The following is an entry in ClinVar:

ClinVar aggregate classification (germline): Likely benign (1 of 4 stars; one submission).

Submission:

CeGaT Center for Human Genetics Tuebingen
Classification: Likely benign. Last evaluated: 2024-11-01. Review status: criteria provided, single submitter. Criteria: CeGaT Center For Human Genetics Tuebingen Variant Classification Criteria Version 2. Collection method: clinical testing. Allele origin: germline. Affected: yes. Observed: 1 variant allele.
Comment: DACT1: PM2:Supporting, BP4, BP7

NM_001079520.2(DACT1):c.477A>C (p.Ser159=)

Gene: DACT1 (dishevelled binding antagonist of beta catenin 1; plus strand). Cytogenetic location: 14q23.1.
Variant type: single nucleotide variant.
Coding change: c.477A>C on transcript NM_001079520.2 (MANE Select); coding-DNA position 477, A replaced by C.
Protein change: p.Ser159=; no amino-acid change (serine 159 retained).
Molecular consequence: synonymous variant. On other transcripts: non-coding transcript variant (5).
Genome position (GRCh38, 1-based): chr14:58,640,867, A>C. VCF-style: chr14-58640867-A-C. GRCh37 (hg19) VCF-style: chr14-59107585-A-C.
Other names: c.477A>C, p.Ser159= (NM_016651.6).
Identifiers: ClinVar variation 3389065 (VCV003389065.14).